The following is an entry in ClinVar:

NM_004415.4(DSP):c.4468A>G (p.Ile1490Val)

Gene: DSP (desmoplakin; plus strand). Cytogenetic location: 6p24.3.
Variant type: single nucleotide variant.
Coding change: c.4468A>G on transcript NM_004415.4 (MANE Select); coding-DNA position 4468, A replaced by G.
Protein change: p.Ile1490Val; replaces isoleucine 1490 with valine.
Molecular consequence: missense variant. On other transcripts: intron variant (2).
Genome position (GRCh38, 1-based): chr6:7,580,658, A>G. VCF-style: chr6-7580658-A-G. GRCh37 (hg19) VCF-style: chr6-7580891-A-G.
Other names: c.4050+418A>G (NM_001319034.2); c.3582+886A>G (NM_001008844.3); short protein forms I1490V.
Identifiers: ClinVar variation 2937714 (VCV002937714.3), dbSNP rs2533928815, ClinGen allele CA362686379.

ClinVar aggregate classification (germline): Conflicting classifications of pathogenicity. Review status: criteria provided, conflicting classifications (1 of 4 stars). 2 submissions from 2 submitters: Uncertain significance (1); Likely benign (1). Last evaluated 2025-11-24.

Conditions:
Arrhythmogenic right ventricular dysplasia 8 (ARVD8). Also called: Arrhythmogenic Right Ventricular Dysplasia/Cardiomyopathy 8; ARRHYTHMOGENIC RIGHT VENTRICULAR DYSPLASIA, FAMILIAL, 8; ARRHYTHMOGENIC RIGHT VENTRICULAR CARDIOMYOPATHY 8. Identifiers: MedGen C1843896, MONDO:0011831, OMIM 607450.
Arrhythmogenic cardiomyopathy with wooly hair and keratoderma. Also called: PALMOPLANTAR KERATODERMA WITH LEFT VENTRICULAR CARDIOMYOPATHY AND WOOLLY HAIR; Carvajal syndrome; Dilated cardiomyopathy with woolly hair and keratoderma; Arrhythmogenic cardiomyopathy with woolly hair and keratoderma. Identifiers: Orphanet 65282, MedGen C1854063, MONDO:0011581, OMIM 605676.
Cardiovascular phenotype. Identifiers: MedGen CN230736.

Submissions (2):

Ambry Genetics
Classification: Likely benign for Cardiovascular phenotype. Last evaluated: 2025-11-24. Review status: criteria provided, single submitter. Criteria: Ambry Variant Classification Scheme 2023. Collection method: clinical testing. Allele origin: germline.

Labcorp Genetics (formerly Invitae), Labcorp
Classification: Uncertain significance for Arrhythmogenic cardiomyopathy with wooly hair and keratoderma; Arrhythmogenic right ventricular dysplasia 8. Last evaluated: 2022-11-07. Review status: criteria provided, single submitter. Criteria: Invitae Variant Classification Sherloc (09022015). Collection method: clinical testing. Allele origin: germline.
Comment: This sequence change replaces isoleucine, which is neutral and non-polar, with valine, which is neutral and non-polar, at codon 1490 of the DSP protein (p.Ile1490Val). This variant is not present in population databases (gnomAD no frequency). This variant has not been reported in the literature in individuals affected with DSP-related conditions. Algorithms developed to predict the effect of missense changes on protein structure and function output the following: SIFT: "Tolerated"; PolyPhen-2: "Benign"; Align-GVGD: "Class C0". The valine amino acid residue is found in multiple mammalian species, which suggests that this missense change does not adversely affect protein function. In summary, the available evidence is currently insufficient to determine the role of this variant in disease. Therefore, it has been classified as a Variant of Uncertain Significance.